The following is an entry in ClinVar:

NM_001130965.3(SUN1):c.2344G>A (p.Glu782Lys)

Gene: SUN1 (Sad1 and UNC84 domain containing 1; plus strand). Cytogenetic location: 7p22.3.
Variant type: single nucleotide variant.
Coding change: c.2344G>A on transcript NM_001130965.3 (MANE Select); coding-DNA position 2344, G replaced by A.
Protein change: p.Glu782Lys; replaces glutamic acid 782 with lysine.
Molecular consequence: missense variant. On other transcripts: 3 prime UTR variant (1), non-coding transcript variant (3).
Genome position (GRCh38, 1-based): chr7:873,317, G>A. VCF-style: chr7-873317-G-A. GRCh37 (hg19) VCF-style: chr7-912954-G-A.
Other names: c.2035G>A, p.Glu679Lys (NM_001171944.2); c.2344G>A, p.Glu782Lys (NM_001367633.1, NM_001367634.1); c.1993G>A, p.Glu665Lys (NM_001367635.1); c.2491G>A, p.Glu831Lys (NM_001367636.1); c.2452G>A, p.Glu818Lys (NM_001367638.1); c.1885G>A, p.Glu629Lys (NM_001367639.1); c.2524G>A, p.Glu842Lys (NM_001367640.1); c.2626G>A, p.Glu876Lys (NM_001367641.1); and 56 more; short protein forms E629K, E665K, E679K, E721K, E750K, E756K, E759K, E768K.
Identifiers: ClinVar variation 855759 (VCV000855759.9), dbSNP rs373928196, ClinGen allele CA4112566.

ClinVar aggregate classification (germline): Uncertain significance. Review status: criteria provided, multiple submitters, no conflicts (2 of 4 stars). 2 submissions from 2 submitters: Uncertain significance (2). Last evaluated 2025-02-04.

Conditions:
Emery-Dreifuss muscular dystrophy (EDMD). Also called: Scapuloperoneal syndrome, X-linked (formerly); Humeroperoneal neuromuscular disease, (formerly). Identifiers: Orphanet 261, MedGen C0410189, MONDO:0016830.

Allele frequency attached by ClinVar (database versions not stated): ExAC 0.00003; gnomAD exomes 0.00005 and 0.00006; ESP Exome Variant Server 0.00008; gnomAD 0.00008 and 0.00009; TOPMed 0.00010; 1000 Genomes Project 0.00020; 1000 Genomes Project 30x 0.00031.
gnomAD v4.1: 102 of 1,614,054 alleles (0.0063%); highest among the groups gnomAD compares: East Asian, 0.051%; no homozygotes.

Submissions (2):

Labcorp Genetics (formerly Invitae), Labcorp
Classification: Uncertain significance for Emery-Dreifuss muscular dystrophy. Last evaluated: 2025-02-04. Review status: criteria provided, single submitter. Criteria: Invitae Variant Classification Sherloc (09022015). Collection method: clinical testing. Allele origin: germline.
Comment: This sequence change replaces glutamic acid, which is acidic and polar, with lysine, which is basic and polar, at codon 782 of the SUN1 protein (p.Glu782Lys). This variant is present in population databases (rs373928196, gnomAD 0.03%). This variant has not been reported in the literature in individuals affected with SUN1-related conditions. ClinVar contains an entry for this variant (Variation ID: 855759). An algorithm developed to predict the effect of missense changes on protein structure and function outputs the following: PolyPhen-2: "Benign". The lysine amino acid residue is found in multiple mammalian species, which suggests that this missense change does not adversely affect protein function. In summary, the available evidence is currently insufficient to determine the role of this variant in disease. Therefore, it has been classified as a Variant of Uncertain Significance.

Ambry Genetics
Classification: Uncertain significance. Last evaluated: 2021-07-14. Review status: criteria provided, single submitter. Criteria: Ambry Variant Classification Scheme 2023. Collection method: clinical testing. Allele origin: germline.